The following is an entry in ClinVar:

ClinVar aggregate classification (germline): Uncertain significance (1 of 4 stars; one submission).

Conditions:
Inborn genetic diseases. Identifiers: MedGen C0950123, MeSH D030342.

Submission:

Ambry Genetics
Classification: Uncertain significance for Inborn genetic diseases. Last evaluated: 2026-04-10. Review status: criteria provided, single submitter. Criteria: Ambry Variant Classification Scheme 2023. Collection method: clinical testing. Allele origin: germline.
Comment: The p.M1249I variant (also known as c.3747G>A), located in coding exon 13 of the ASXL1 gene, results from a G to A substitution at nucleotide position 3747. The methionine at codon 1249 is replaced by isoleucine, an amino acid with highly similar properties. This amino acid position is conserved. In addition, this alteration is predicted to be tolerated by in silico analysis. Based on the available evidence, the clinical significance of this variant remains unclear.

NM_015338.6(ASXL1):c.3747G>A (p.Met1249Ile)

Gene: ASXL1 (ASXL transcriptional regulator 1; plus strand). Cytogenetic location: 20q11.21.
Variant type: single nucleotide variant.
Coding change: c.3747G>A on transcript NM_015338.6 (MANE Select); coding-DNA position 3747, G replaced by A.
Protein change: p.Met1249Ile; replaces methionine 1249 with isoleucine.
Molecular consequence: missense variant.
Genome position (GRCh38, 1-based): chr20:32,436,459, G>A. VCF-style: chr20-32436459-G-A. GRCh37 (hg19) VCF-style: chr20-31024262-G-A.
Other names: c.3564G>A, p.Met1188Ile (NM_001363734.1); short protein forms M1188I, M1249I.
Identifiers: ClinVar variation 4864210 (VCV004864210.1).